The following is an entry in ClinVar:

ClinVar aggregate classification (germline): Pathogenic (1 of 4 stars; one submission).

Conditions:
Thrombophilia due to protein C deficiency, autosomal dominant. Also called: PROC DEFICIENCY, AUTOSOMAL DOMINANT; PROTEIN C DEFICIENCY, AUTOSOMAL DOMINANT. Identifiers: Orphanet 745, MedGen C2674321, MONDO:0008316, OMIM 176860. Disease mechanism: loss of function.

Submission:

Labcorp Genetics (formerly Invitae), Labcorp
Classification: Pathogenic for Thrombophilia due to protein C deficiency, autosomal dominant. Last evaluated: 2024-04-12. Review status: criteria provided, single submitter. Criteria: Invitae Variant Classification Sherloc (09022015). Collection method: clinical testing. Allele origin: germline.
Comment: This sequence change falls in intron 5 of the PROC gene. It does not directly change the encoded amino acid sequence of the PROC protein. It affects a nucleotide within the consensus splice site. This variant is not present in population databases (gnomAD no frequency). This variant has been observed in individual(s) with PROC-related conditions (PMID: 1868249, 31521534). In at least one individual the data is consistent with being in trans (on the opposite chromosome) from a pathogenic variant. This variant is also known as 3222 G>A. Variants that disrupt the consensus splice site are a relatively common cause of aberrant splicing (PMID: 17576681, 9536098). Algorithms developed to predict the effect of sequence changes on RNA splicing suggest that this variant may disrupt the consensus splice site. This variant disrupts the c.400+5G nucleotide in the PROC gene. Other variant(s) that disrupt this nucleotide have been determined to be pathogenic (PMID: 1868249, 31254973). This suggests that this nucleotide is clinically significant, and that variants that disrupt this position are likely to be disease-causing. For these reasons, this variant has been classified as Pathogenic.

Literature cited by the submitters: PubMed 1868249; PubMed 31521534; PubMed 17576681; PubMed 9536098; PubMed 31254973.

NM_000312.4(PROC):c.400+5G>A

Gene: PROC (protein C, inactivator of coagulation factors Va and VIIIa; plus strand). Cytogenetic location: 2q14.3.
Variant type: single nucleotide variant.
Coding change: c.400+5G>A on transcript NM_000312.4 (MANE Select); 5 bases into the intron after coding-DNA position 400, G replaced by A.
Molecular consequence: intron variant. On other transcripts: synonymous variant (3), missense variant (1).
Genome position (GRCh38, 1-based): chr2:127,423,176, G>A. VCF-style: chr2-127423176-G-A. GRCh37 (hg19) VCF-style: chr2-128180752-G-A.
Other names: c.468G>A, p.Glu156= (NM_001375603.1); c.405G>A, p.Glu135= (NM_001375605.1); c.560G>A, p.Arg187Lys (NM_001375606.1); c.489G>A, p.Glu163= (NM_001375607.1); c.400+5G>A (NM_001375611.1, NM_001375608.1, NM_001375613.1); c.583+5G>A (NM_001375602.1); c.394+5G>A (NM_001375610.1); c.463+5G>A (NM_001375604.1); and 1 more; short protein forms R187K.
Identifiers: ClinVar variation 3720362 (VCV003720362.2).